The following is an entry in ClinVar:

ClinVar aggregate classification (germline): Benign. Review status: criteria provided, multiple submitters, no conflicts (2 of 4 stars). 2 submissions from 2 submitters: Benign (2). Last evaluated 2018-06-14.

Allele frequency attached by ClinVar (database versions not stated): TOPMed 0.94024; gnomAD 0.94333 and 0.94740; 1000 Genomes Project 30x 0.94550; 1000 Genomes Project 0.94888.

Submissions (2):

GeneDx
Classification: Benign. Last evaluated: 2018-06-14. Review status: criteria provided, single submitter. Criteria: GeneDx Variant Classification (06012015). Collection method: clinical testing. Allele origin: germline. Affected: yes.
Comment: This variant is considered likely benign or benign based on one or more of the following criteria: it is a conservative change, it occurs at a poorly conserved position in the protein, it is predicted to be benign by multiple in silico algorithms, and/or has population frequency not consistent with disease.

Breakthrough Genomics
Classification: Benign. Review status: criteria provided, single submitter. Criteria: ACMG Guidelines, 2015. Collection method: not provided. Allele origin: germline. Inheritance: Autosomal dominant inheritance. Affected: yes.

NM_144670.6(A2ML1):c.643+141A>C

Gene: A2ML1 (alpha-2-macroglobulin like 1; plus strand). Cytogenetic location: 12p13.31.
Variant type: single nucleotide variant.
Coding change: c.643+141A>C on transcript NM_144670.6 (MANE Select); 141 bases into the intron after coding-DNA position 643, A replaced by C.
Molecular consequence: intron variant.
Genome position (GRCh38, 1-based): chr12:8,835,807, A>C. VCF-style: chr12-8835807-A-C. GRCh37 (hg19) VCF-style: chr12-8988403-A-C.
Identifiers: ClinVar variation 561551 (VCV000561551.2), dbSNP rs4883188, ClinGen allele CA16435668.
Genomic context (GRCh38, chr12:8,835,807, plus strand): 5'-CTCACGCCTGTAATCCCAGGACTTTGGGAGGCCGAGGCGGGCAGATCATGAGGTCAGGAG[A>C]TCGAGACCACCCTGGCTAACACAGTGAAACCCTGTCTCCACTAACAATACAAAAAATTAG-3'